The following is an entry in ClinVar:

NM_003742.4(ABCB11):c.3746T>G (p.Leu1249Ter)

Gene: ABCB11 (ATP binding cassette subfamily B member 11; minus strand). Cytogenetic location: 2q31.1.
Variant type: single nucleotide variant.
Coding change: c.3746T>G on transcript NM_003742.4 (MANE Select); coding-DNA position 3746, T replaced by G.
Protein change: p.Leu1249Ter; replaces leucine 1249 with a stop codon.
Molecular consequence: nonsense.
Genome position (GRCh38, 1-based): chr2:168,924,676, A>C on the plus strand (T>G on the coding strand, the complement: ABCB11 is on the minus strand). VCF-style: chr2-168924676-A-C. GRCh37 (hg19) VCF-style: chr2-169781186-A-C.
Other names: short protein forms L1249*.
Identifiers: ClinVar variation 4846079 (VCV004846079.1).

ClinVar aggregate classification (germline): Likely pathogenic (1 of 4 stars; one submission).

Conditions:
Familial intrahepatic cholestasis. Identifiers: Orphanet 284385, MedGen CN296401, MONDO:0017290.

Submission:

Genomenon, Inc
Classification: Likely pathogenic for Familial intrahepatic cholestasis. Last evaluated: 2026-04-14. Review status: criteria provided, single submitter. Criteria: Genomenon Sequence Variant Interpretation Standards - Updated. Collection method: curation. Allele origin: germline. Affected: yes.
Comment: ABCB11 p.Leu1249Ter (c.3746T>G) is a nonsense variant that introduces a premature stop codon at amino acid position 1249, creating a truncated protein. This variant has been observed in at least one proband with an ABCB11-related disorder (PMID:32808743;26382629). It is absent or not present at a significant frequency in gnomAD. In conclusion, we classify ABCB11 p.Leu1249Ter (c.3746T>G) as a likely pathogenic variant.

Literature cited by the submitters: PubMed 32808743; PubMed 26382629.